The following is an entry in ClinVar:

NM_002968.3(SALL1):c.2055A>G (p.Ala685=)

Gene: SALL1 (spalt like transcription factor 1; minus strand). Cytogenetic location: 16q12.1.
Variant type: single nucleotide variant.
Coding change: c.2055A>G on transcript NM_002968.3 (MANE Select); coding-DNA position 2055, A replaced by G.
Protein change: p.Ala685=; no amino-acid change (alanine 685 retained).
Molecular consequence: synonymous variant.
Genome position (GRCh38, 1-based): chr16:51,140,167, T>C on the plus strand (A>G on the coding strand, the complement: SALL1 is on the minus strand). VCF-style: chr16-51140167-T-C. GRCh37 (hg19) VCF-style: chr16-51174078-T-C.
Other names: c.1764A>G, p.Ala588= (NM_001127892.2).
Identifiers: ClinVar variation 3352426 (VCV003352426.2).

ClinVar aggregate classification (germline): Likely benign. Review status: criteria provided, single submitter (1 of 4 stars). 2 submissions from 2 submitters: Likely benign (1). 1 of the submissions does not count toward it. Last evaluated 2025-11-19.

Conditions:
SALL1-related disorder. Also called: SALL1-related condition.
Townes syndrome (TBS). Also called: Townes-Brocks syndrome. Identifiers: Orphanet 857, MedGen C0265246, MeSH C536974, MONDO:0007142.

Submissions (2):

Labcorp Genetics (formerly Invitae), Labcorp
Classification: Likely benign for Townes syndrome. Last evaluated: 2025-11-19. Review status: criteria provided, single submitter. Criteria: Invitae Variant Classification Sherloc (09022015). Collection method: clinical testing. Allele origin: germline.

PreventionGenetics, part of Exact Sciences
Classification: Likely benign for SALL1-related condition. Last evaluated: 2024-07-18. Review status: no assertion criteria provided. Collection method: clinical testing. Allele origin: germline. Not counted in ClinVar's aggregate classification.
Comment: This variant is classified as likely benign based on ACMG/AMP sequence variant interpretation guidelines (Richards et al. 2015 PMID: 25741868, with internal and published modifications).